The following is an entry in ClinVar:

NM_015047.3(EMC1):c.1873C>T (p.Gln625Ter)

Genes: EMC1 (ER membrane protein complex subunit 1; minus strand), EMC1-AS1 (EMC1 antisense RNA 1; plus strand). Cytogenetic location: 1p36.13.
Variant type: single nucleotide variant.
Coding change: c.1873C>T on transcript NM_015047.3 (MANE Select); coding-DNA position 1873, C replaced by T.
Protein change: p.Gln625Ter; replaces glutamine 625 with a stop codon.
Molecular consequence: nonsense.
Genome position (GRCh38, 1-based): chr1:19,231,332, G>A on the plus strand (C>T on the coding strand, the complement: EMC1 is on the minus strand). VCF-style: chr1-19231332-G-A. GRCh37 (hg19) VCF-style: chr1-19557826-G-A.
Other names: c.1870C>T, p.Gln624Ter (NM_001271427.2, NM_001271428.2); c.1807C>T, p.Gln603Ter (NM_001271429.2); c.1882C>T, p.Gln628Ter (NM_001375820.1); c.1879C>T, p.Gln627Ter (NM_001375821.1); short protein forms Q603*, Q624*, Q625*, Q627*, Q628*.
Identifiers: ClinVar variation 4888194 (VCV004888194.1).

ClinVar aggregate classification (germline): Likely pathogenic (1 of 4 stars; one submission).

gnomAD v4.1: 5 of 1,611,822 alleles (0.00031%); highest among the groups gnomAD compares: Non-Finnish European, 0.00042%; no homozygotes.

Submission:

GeneDx
Classification: Likely pathogenic. Last evaluated: 2026-03-06. Review status: criteria provided, single submitter. Criteria: GeneDx Variant Classification Process June 2021. Collection method: clinical testing. Allele origin: germline.
Comment: Identified heterozygous in an individual participating in a precision medicine study, however no specific clinical information was provided (PMID: 31980526); Nonsense variant predicted to result in protein truncation or nonsense mediated decay in a gene for which loss of function is a known mechanism of disease; Not observed in large population cohorts (gnomAD); This variant is associated with the following publications: (PMID: 31980526)